The following is an entry in ClinVar:

ClinVar aggregate classification (germline): Uncertain significance (1 of 4 stars; one submission).

Conditions:
Hereditary cancer-predisposing syndrome. Also called: Hereditary Cancer Syndrome; Hereditary neoplastic syndrome; Neoplastic Syndromes, Hereditary; Tumor predisposition. Identifiers: Orphanet 140162, MedGen C0027672, MeSH D009386, MONDO:0015356.

Submission:

Ambry Genetics
Classification: Uncertain significance for Hereditary cancer-predisposing syndrome. Last evaluated: 2021-08-23. Review status: criteria provided, single submitter. Criteria: Ambry Variant Classification Scheme 2023. Collection method: clinical testing. Allele origin: germline.
Comment: The p.L430S variant (also known as c.1289T>C), located in coding exon 8 of the CTNNA1 gene, results from a T to C substitution at nucleotide position 1289. The leucine at codon 430 is replaced by serine, an amino acid with dissimilar properties. This amino acid position is conserved. In addition, this alteration is predicted to be deleterious by in silico analysis. Since supporting evidence is limited at this time, the clinical significance of this alteration remains unclear.

NM_001903.5(CTNNA1):c.1289T>C (p.Leu430Ser)

Gene: CTNNA1 (catenin alpha 1; plus strand). Cytogenetic location: 5q31.2.
Variant type: single nucleotide variant.
Coding change: c.1289T>C on transcript NM_001903.5 (MANE Select); coding-DNA position 1289, T replaced by C.
Protein change: p.Leu430Ser; replaces leucine 430 with serine.
Molecular consequence: missense variant. On other transcripts: 5 prime UTR variant (5), intron variant (2).
Genome position (GRCh38, 1-based): chr5:138,887,635, T>C. VCF-style: chr5-138887635-T-C. GRCh37 (hg19) VCF-style: chr5-138223324-T-C.
Other names: c.1289T>C, p.Leu430Ser (NM_001290307.3, NM_001323982.2, NM_001323983.1 and 3 more transcripts); c.980T>C, p.Leu327Ser (NM_001290309.3); c.920T>C, p.Leu307Ser (NM_001290310.3); c.179T>C, p.Leu60Ser (NM_001290312.1, NM_001323987.1, NM_001323988.1 and 18 more transcripts); c.-219T>C (NM_001324006.1, NM_001324007.1, NM_001324008.1 and 1 more transcripts); c.-94T>C (NM_001324013.1); c.-58+12038T>C (NM_001324012.1); c.-61+12038T>C (NM_001324010.1); short protein forms L307S, L327S, L60S, L430S.
Identifiers: ClinVar variation 1769044 (VCV001769044.2), dbSNP rs2533017515, ClinGen allele CA361133262.